The following is an entry in ClinVar:

NM_001352754.2(ARMC9):c.1187A>G (p.Asn396Ser)

Gene: ARMC9 (armadillo repeat containing 9; plus strand). Cytogenetic location: 2q37.1.
Variant type: single nucleotide variant.
Coding change: c.1187A>G on transcript NM_001352754.2 (MANE Select); coding-DNA position 1187, A replaced by G.
Protein change: p.Asn396Ser; replaces asparagine 396 with serine.
Molecular consequence: missense variant. On other transcripts: non-coding transcript variant (1).
Genome position (GRCh38, 1-based): chr2:231,271,049, A>G. VCF-style: chr2-231271049-A-G. GRCh37 (hg19) VCF-style: chr2-232135762-A-G.
Other names: c.1187A>G, p.Asn396Ser (NM_001271466.4, NM_001291656.2, NM_001352755.2 and 3 more transcripts); c.1088A>G, p.Asn363Ser (NM_001352757.2, NM_001352758.2); c.1187A>G (NM_025139.3); short protein forms N396S, N363S.
Identifiers: ClinVar variation 948563 (VCV000948563.8), dbSNP rs186036637, ClinGen allele CA2160224.

ClinVar aggregate classification (germline): Uncertain significance. Review status: criteria provided, multiple submitters, no conflicts (2 of 4 stars). 2 submissions from 2 submitters: Uncertain significance (2). Last evaluated 2025-01-10.

Conditions:
Inborn genetic diseases. Identifiers: MedGen C0950123, MeSH D030342.

Allele frequency attached by ClinVar (database versions not stated): TOPMed 0.00003; gnomAD 0.00004; ESP Exome Variant Server 0.00008; gnomAD exomes 0.00010 and 0.00011; ExAC 0.00014; 1000 Genomes Project 30x 0.00016; 1000 Genomes Project 0.00020.
gnomAD v4.1: 167 of 1,614,176 alleles (0.01%); highest among the groups gnomAD compares: Admixed American, 0.017%; no homozygotes.

Submissions (2):

Ambry Genetics
Classification: Uncertain significance for Inborn genetic diseases. Last evaluated: 2025-01-10. Review status: criteria provided, single submitter. Criteria: Ambry Variant Classification Scheme 2023. Collection method: clinical testing. Allele origin: germline.

Labcorp Genetics (formerly Invitae), Labcorp
Classification: Uncertain significance. Last evaluated: 2022-08-21. Review status: criteria provided, single submitter. Criteria: Invitae Variant Classification Sherloc (09022015). Collection method: clinical testing. Allele origin: germline.
Comment: This sequence change replaces asparagine, which is neutral and polar, with serine, which is neutral and polar, at codon 396 of the ARMC9 protein (p.Asn396Ser). This variant is present in population databases (rs186036637, gnomAD 0.03%). This variant has not been reported in the literature in individuals affected with ARMC9-related conditions. ClinVar contains an entry for this variant (Variation ID: 948563). In summary, the available evidence is currently insufficient to determine the role of this variant in disease. Therefore, it has been classified as a Variant of Uncertain Significance.